The following is an entry in ClinVar:

ClinVar aggregate classification (germline): Benign/Likely benign. Review status: criteria provided, multiple submitters, no conflicts (2 of 4 stars). 3 submissions from 3 submitters: Benign (1); Likely benign (1). 1 of the submissions does not count toward it. Last evaluated 2024-07-05.

Conditions:
PRKD1-related disorder. Also called: PRKD1-related condition.

Allele frequency attached by ClinVar (database versions not stated): gnomAD exomes 0.00011 and 0.00030; ExAC 0.00035; 1000 Genomes Project 0.00120; gnomAD 0.00127 and 0.00134; ESP Exome Variant Server 0.00138; TOPMed 0.00149; 1000 Genomes Project 30x 0.00156.
gnomAD v4.1: 363 of 1,614,072 alleles (0.022%); highest among the groups gnomAD compares: African/African-American, 0.41%; 1 homozygote.

Submissions (3):

Blueprint Genetics
Classification: Likely benign. Last evaluated: 2024-07-05. Review status: criteria provided, single submitter. Criteria: ACMG Guidelines, 2015. Collection method: clinical testing. Allele origin: germline.

Labcorp Genetics (formerly Invitae), Labcorp
Classification: Benign. Last evaluated: 2019-12-31. Review status: criteria provided, single submitter. Criteria: Invitae Variant Classification Sherloc (09022015). Collection method: clinical testing. Allele origin: germline.

PreventionGenetics, part of Exact Sciences
Classification: Likely benign for PRKD1-related condition. Last evaluated: 2019-03-05. Review status: no assertion criteria provided. Collection method: clinical testing. Allele origin: germline. Not counted in ClinVar's aggregate classification.
Comment: This variant is classified as likely benign based on ACMG/AMP sequence variant interpretation guidelines (Richards et al. 2015 PMID: 25741868, with internal and published modifications).

NM_002742.3(PRKD1):c.908-7G>A

Gene: PRKD1 (protein kinase D1; minus strand). Cytogenetic location: 14q12.
Variant type: single nucleotide variant.
Coding change: c.908-7G>A on transcript NM_002742.3 (MANE Select); 7 bases into the intron before coding-DNA position 908, G replaced by A.
Molecular consequence: intron variant.
Genome position (GRCh38, 1-based): chr14:29,638,573, C>T on the plus strand (G>A on the coding strand, the complement: PRKD1 is on the minus strand). VCF-style: chr14-29638573-C-T. GRCh37 (hg19) VCF-style: chr14-30107779-C-T.
Other names: c.932-7G>A (NM_001330069.1, NM_001330069.2); c.644-7G>A (NM_001348390.1).
Identifiers: ClinVar variation 786246 (VCV000786246.7), dbSNP rs201539683, ClinGen allele CA7141330.
Genomic context (GRCh38, chr14:29,638,573, plus strand): 5'-GGCAGTTGTTTGGTACTTTCGGTGCACAACGTTTATGGCAGTTGAATCTGCAATCTAATC[C>T]CAGTGATTTTCAAACAAAACAAAATGAGAATTTGTCATAAAGAAAAGTGGTAACCAGAAA-3'